The following is an entry in ClinVar:

NM_020778.5(ALPK3):c.1688T>C (p.Met563Thr)

Gene: ALPK3 (alpha kinase 3; plus strand). Cytogenetic location: 15q25.3.
Variant type: single nucleotide variant.
Coding change: c.1688T>C on transcript NM_020778.5 (MANE Select); coding-DNA position 1688, T replaced by C.
Protein change: p.Met563Thr; replaces methionine 563 with threonine.
Molecular consequence: missense variant.
Genome position (GRCh38, 1-based): chr15:84,856,426, T>C. VCF-style: chr15-84856426-T-C. GRCh37 (hg19) VCF-style: chr15-85399657-T-C.
Other names: short protein forms M563T.
Identifiers: ClinVar variation 1299846 (VCV001299846.5), dbSNP rs150028343, ClinGen allele CA7709272.
Genomic context (GRCh38, chr15:84,856,426, plus strand): 5'-CCTTGCTTTTGTCCCTCTGTTTTCAGGTCCTGGAATGCCAGACAACCACGGCTCCTACCA[T>C]GTCGGCCAGCAGCAGCTCTGATGTAGCCTCCATTGGGGTTAGCACTTCCGGAAGTCAAGG-3'
Protein context (NP_065829.4, residues 553-573): LECQTTTAPT[Met563Thr]SASSSSDVAS

ClinVar aggregate classification (germline): Uncertain significance. Review status: criteria provided, multiple submitters, no conflicts (2 of 4 stars). 4 submissions from 4 submitters: Uncertain significance (2). 2 of the submissions do not count toward it. Last evaluated 2024-10-23.

gnomAD v4.1: 24 of 1,609,626 alleles (0.0015%); highest among the groups gnomAD compares: Non-Finnish European, 0.0019%; no homozygotes.

Submissions (4):

Labcorp Genetics (formerly Invitae), Labcorp
Classification: Uncertain significance. Last evaluated: 2024-10-23. Review status: criteria provided, single submitter. Criteria: Invitae Variant Classification Sherloc (09022015). Collection method: clinical testing. Allele origin: germline.
Comment: This sequence change replaces methionine, which is neutral and non-polar, with threonine, which is neutral and polar, at codon 765 of the ALPK3 protein (p.Met765Thr). This variant is present in population databases (rs150028343, gnomAD 0.006%). This variant has not been reported in the literature in individuals affected with ALPK3-related conditions. ClinVar contains an entry for this variant (Variation ID: 1299846). Invitae Evidence Modeling of protein sequence and biophysical properties (such as structural, functional, and spatial information, amino acid conservation, physicochemical variation, residue mobility, and thermodynamic stability) indicates that this missense variant is not expected to disrupt ALPK3 protein function with a negative predictive value of 80%. In summary, the available evidence is currently insufficient to determine the role of this variant in disease. Therefore, it has been classified as a Variant of Uncertain Significance.

GeneDx
Classification: Uncertain significance. Last evaluated: 2022-09-28. Review status: criteria provided, single submitter. Criteria: GeneDx Variant Classification Process June 2021. Collection method: clinical testing. Allele origin: germline. Affected: yes.
Comment: Has not been previously published as pathogenic or benign to our knowledge; In silico analysis supports that this missense variant does not alter protein structure/function

Diagnostic Laboratory, Department of Genetics, University Medical Center Groningen
Classification: Likely benign. Review status: no assertion criteria provided. Collection method: clinical testing. Allele origin: germline. Affected: yes. Study: VKGL Data-share Consensus. Not counted in ClinVar's aggregate classification.

Genome Diagnostics Laboratory, University Medical Center Utrecht
Classification: Likely benign. Review status: no assertion criteria provided. Collection method: clinical testing. Allele origin: germline. Affected: yes. Study: VKGL Data-share Consensus. Not counted in ClinVar's aggregate classification.